The following is an entry in ClinVar:

NM_000135.4(FANCA):c.2360T>G (p.Leu787Arg)

Gene: FANCA (FA complementation group A; minus strand). Cytogenetic location: 16q24.3.
Variant type: single nucleotide variant.
Coding change: c.2360T>G on transcript NM_000135.4 (MANE Select); coding-DNA position 2360, T replaced by G.
Protein change: p.Leu787Arg; replaces leucine 787 with arginine.
Molecular consequence: missense variant.
Genome position (GRCh38, 1-based): chr16:89,769,981, A>C on the plus strand (T>G on the coding strand, the complement: FANCA is on the minus strand). VCF-style: chr16-89769981-A-C. GRCh37 (hg19) VCF-style: chr16-89836389-A-C.
Other names: c.2360T>G, p.Leu787Arg (NM_001286167.3); short protein forms L787R.
Identifiers: ClinVar variation 3848246 (VCV003848246.1).

ClinVar aggregate classification (germline): Uncertain significance (1 of 4 stars; one submission).

Conditions:
Inborn genetic diseases. Identifiers: MedGen C0950123, MeSH D030342.

Submission:

Ambry Genetics
Classification: Uncertain significance for Inborn genetic diseases. Last evaluated: 2025-02-16. Review status: criteria provided, single submitter. Criteria: Ambry Variant Classification Scheme 2023. Collection method: clinical testing. Allele origin: germline.
Comment: The p.L787R variant (also known as c.2360T>G), located in coding exon 26 of the FANCA gene, results from a T to G substitution at nucleotide position 2360. The leucine at codon 787 is replaced by arginine, an amino acid with dissimilar properties. This amino acid position is conserved. In addition, this alteration is predicted to be deleterious by in silico analysis. Based on the available evidence, the clinical significance of this variant remains unclear.